The following is an entry in ClinVar:

NM_001048174.2(MUTYH):c.515A>T (p.His172Leu)

Gene: MUTYH (mutY DNA glycosylase; minus strand). Cytogenetic location: 1p34.1.
Variant type: single nucleotide variant.
Coding change: c.515A>T on transcript NM_001048174.2 (MANE Select); coding-DNA position 515, A replaced by T.
Protein change: p.His172Leu; replaces histidine 172 with leucine.
Molecular consequence: missense variant. On other transcripts: non-coding transcript variant (7).
Genome position (GRCh38, 1-based): chr1:45,332,665, T>A on the plus strand (A>T on the coding strand, the complement: MUTYH is on the minus strand). VCF-style: chr1-45332665-T-A. GRCh37 (hg19) VCF-style: chr1-45798337-T-A.
Other names: c.548A>T, p.His183Leu (NM_001293191.2, NM_001407069.1, NM_001407077.1); c.239A>T, p.His80Leu (NM_001293192.2, NM_001293196.2, NM_001407091.1); c.515A>T, p.His172Leu (NM_001293195.2, NM_001407070.1, NM_001407088.1 and 6 more transcripts); c.170A>T, p.His57Leu (NM_001350650.2, NM_001350651.2, NM_001407082.1); c.518A>T, p.His173Leu (NM_001407071.1, NM_001407086.1, NM_001048172.2 and 1 more transcripts); c.557A>T, p.His186Leu (NM_001407085.1, NM_001407083.1); c.536A>T, p.His179Leu (NM_001407087.1); c.590A>T, p.His197Leu (NM_012222.3); and 5 more; short protein forms H158L, H200L, H57L, H179L, H183L, H186L, H80L, H144L.
Identifiers: ClinVar variation 4113749 (VCV004113749.1).
Genomic context (GRCh38, chr1:45,332,665, plus strand): 5'-GCTGTGTAGCGCCCCACGCCAGGCAGGAGCTGCTGCAGGGTCTCTGCTGTACGTGGCATG[T>A]GGCCCCCTAGCTCCTCTACCACCTGATTGGAGTGCAAGACTCAAGATTATAAGACACCCA-3'
Protein context (NP_001041639.1, residues 162-182): ARKVVEELGG[His172Leu]MPRTAETLQQ

ClinVar aggregate classification (germline): Uncertain significance (1 of 4 stars; one submission).

Conditions:
Hereditary cancer-predisposing syndrome. Also called: Hereditary neoplastic syndrome; Neoplastic Syndromes, Hereditary; Tumor predisposition; Hereditary Cancer Syndrome. Identifiers: Orphanet 140162, MedGen C0027672, MeSH D009386, MONDO:0015356.

Submission:

Ambry Genetics
Classification: Uncertain significance for Hereditary cancer-predisposing syndrome. Last evaluated: 2025-08-27. Review status: criteria provided, single submitter. Criteria: Ambry Variant Classification Scheme 2023. Collection method: clinical testing. Allele origin: germline.
Comment: The p.H200L variant (also known as c.599A>T), located in coding exon 8 of the MUTYH gene, results from an A to T substitution at nucleotide position 599. The histidine at codon 200 is replaced by leucine, an amino acid with similar properties. This amino acid position is conserved. In addition, the in silico prediction for this alteration is inconclusive. Based on the available evidence, the clinical significance of this variant remains unclear.